The following is an entry in ClinVar:

ClinVar aggregate classification (germline): Pathogenic (1 of 4 stars; one submission).

Submission:

ISCA site 17
Classification: Pathogenic. Last evaluated: 2011-08-12. Review status: criteria provided, single submitter. Criteria: Kaminsky et al. (Genet Med. 2011). Collection method: clinical testing. Allele origin: unknown. Affected: yes. Observed: 1 variant allele.
Comment: Copy number variation identified through the course of routine clinical cytogenomic testing in postnatal populations. Clinical assertions have been curated as described in Kaminsky et al. 2011.

GRCh38/hg38 4q32.2-34.1(chr4:162723818-172501433)x1

Genes: AADAT (aminoadipate aminotransferase; minus strand), ANP32C (acidic nuclear phosphoprotein 32 family member C; minus strand), ANXA10 (annexin A10; plus strand), APELA (apelin receptor early endogenous ligand; plus strand), CBR4 (carbonyl reductase 4; minus strand) and 157 more. Cytogenetic location: 4q32.2-34.1.
Variant type: copy number loss.
Change: copy number 1 (one copy instead of two) of chr4:162,723,818-172,501,433 (9.78 Mb, GRCh38 coordinates, 1-based), cytogenetic band 4q32.2-34.1.
Identifiers: ClinVar variation 59484 (VCV000059484.1).